The following is an entry in ClinVar:

NM_016042.4(EXOSC3):c.712T>C (p.Trp238Arg)

Gene: EXOSC3 (exosome component 3; minus strand). Cytogenetic location: 9p13.2.
Variant type: single nucleotide variant.
Coding change: c.712T>C on transcript NM_016042.4 (MANE Select); coding-DNA position 712, T replaced by C.
Protein change: p.Trp238Arg; replaces tryptophan 238 with arginine.
Molecular consequence: missense variant. On other transcripts: 3 prime UTR variant (1).
Genome position (GRCh38, 1-based): chr9:37,780,795, A>G on the plus strand (T>C on the coding strand, the complement: EXOSC3 is on the minus strand). VCF-style: chr9-37780795-A-G. GRCh37 (hg19) VCF-style: chr9-37780792-A-G.
Other names: c.*65T>C (NM_001002269.2); short protein forms W238R.
Identifiers: ClinVar variation 31692 (VCV000031692.4), dbSNP rs672601332, ClinGen allele CA260047.

ClinVar aggregate classification (germline): Likely pathogenic. Review status: criteria provided, single submitter (1 of 4 stars). 2 submissions from 2 submitters: Likely pathogenic (1). 1 of the submissions does not count toward it. Last evaluated 2023-05-13.

Conditions:
Pontocerebellar hypoplasia type 1B. Also called: EXOSC3 Pontocerebellar Hypoplasia. Identifiers: Orphanet 2254, MedGen C3553449, MONDO:0013853, OMIM 614678.

Submissions (2):

Labcorp Genetics (formerly Invitae), Labcorp
Classification: Likely pathogenic for Pontocerebellar hypoplasia type 1B. Last evaluated: 2023-05-13. Review status: criteria provided, single submitter. Criteria: Invitae Variant Classification Sherloc (09022015). Collection method: clinical testing. Allele origin: germline.
Comment: Advanced modeling of protein sequence and biophysical properties (such as structural, functional, and spatial information, amino acid conservation, physicochemical variation, residue mobility, and thermodynamic stability) performed at Invitae indicates that this missense variant is expected to disrupt EXOSC3 protein function. This sequence change replaces tryptophan, which is neutral and slightly polar, with arginine, which is basic and polar, at codon 238 of the EXOSC3 protein (p.Trp238Arg). This variant is not present in population databases (gnomAD no frequency). This missense change has been observed in individual(s) with pontocerebellar hypoplasia (PMID: 22544365). In at least one individual the data is consistent with being in trans (on the opposite chromosome) from a pathogenic variant. It has also been observed to segregate with disease in related individuals. ClinVar contains an entry for this variant (Variation ID: 31692). Experimental studies have shown that this missense change affects EXOSC3 function (PMID: 22544365, 27777260, 28053271). In summary, the currently available evidence indicates that the variant is pathogenic, but additional data are needed to prove that conclusively. Therefore, this variant has been classified as Likely Pathogenic.

OMIM
Classification: Pathogenic for PONTOCEREBELLAR HYPOPLASIA, TYPE 1B. Last evaluated: 2012-04-29. Review status: no assertion criteria provided. Collection method: literature only. Allele origin: germline. Not counted in ClinVar's aggregate classification.

Literature cited by the submitters: PubMed 22544365 (cited by Labcorp Genetics (formerly Invitae), Labcorp and OMIM); PubMed 27777260 (cited by Labcorp Genetics (formerly Invitae), Labcorp); PubMed 28053271 (cited by Labcorp Genetics (formerly Invitae), Labcorp).